The following is an entry in ClinVar:

NM_003331.5(TYK2):c.2286G>A (p.Val762=)

Gene: TYK2 (tyrosine kinase 2; minus strand). Cytogenetic location: 19p13.2.
Variant type: single nucleotide variant.
Coding change: c.2286G>A on transcript NM_003331.5 (MANE Select); coding-DNA position 2286, G replaced by A.
Protein change: p.Val762=; no amino-acid change (valine 762 retained).
Molecular consequence: synonymous variant.
Genome position (GRCh38, 1-based): chr19:10,358,028, C>T on the plus strand (G>A on the coding strand, the complement: TYK2 is on the minus strand). VCF-style: chr19-10358028-C-T. GRCh37 (hg19) VCF-style: chr19-10468704-C-T.
Other names: c.2286G>A (LRG_121t1).
Identifiers: ClinVar variation 385193 (VCV000385193.6), dbSNP rs778089592, ClinGen allele CA9193126.

ClinVar aggregate classification (germline): Likely benign. Review status: criteria provided, multiple submitters, no conflicts (2 of 4 stars). 2 submissions from 2 submitters: Likely benign (2). Last evaluated 2022-08-16.

Conditions:
Immunodeficiency 35 (IMD35). Also called: TYK2 DEFICIENCY; Susceptibility to infection due to TYK2 deficiency; HIES WITH ATYPICAL MYCOBACTERIOSIS, AUTOSOMAL RECESSIVE; HYPER-IgE SYNDROME WITH ATYPICAL MYCOBACTERIOSIS, AUTOSOMAL RECESSIVE. Identifiers: Orphanet 331226, MedGen C1969086, MONDO:0012682, OMIM 611521.

Allele frequency attached by ClinVar (database versions not stated): gnomAD exomes below 0.00001 and 0.00001; ExAC 0.00003; gnomAD 0.00004; TOPMed 0.00009.
gnomAD v4.1: 10 of 1,613,366 alleles (0.00062%); highest among the groups gnomAD compares: African/African-American, 0.013%; no homozygotes.

Submissions (2):

Labcorp Genetics (formerly Invitae), Labcorp
Classification: Likely benign for Immunodeficiency 35. Last evaluated: 2022-08-16. Review status: criteria provided, single submitter. Criteria: Invitae Variant Classification Sherloc (09022015). Collection method: clinical testing. Allele origin: germline.

GeneDx
Classification: Likely benign. Last evaluated: 2016-03-31. Review status: criteria provided, single submitter. Criteria: GeneDx Variant Classification (06012015). Collection method: clinical testing. Allele origin: germline. Affected: yes.
Comment: This variant is considered likely benign or benign based on one or more of the following criteria: it is a conservative change, it occurs at a poorly conserved position in the protein, it is predicted to be benign by multiple in silico algorithms, and/or has population frequency not consistent with disease.